The following is an entry in ClinVar:

ClinVar aggregate classification (germline): Uncertain significance (1 of 4 stars; one submission).

Conditions:
Rhabdoid tumor predisposition syndrome 2 (RTPS2). Identifiers: Orphanet 231108, Orphanet 69077, MedGen C2750074, MONDO:0013224, OMIM 613325.

Submission:

Labcorp Genetics (formerly Invitae), Labcorp
Classification: Uncertain significance for Rhabdoid tumor predisposition syndrome 2. Last evaluated: 2025-11-10. Review status: criteria provided, single submitter. Criteria: Invitae Variant Classification Sherloc (09022015). Collection method: clinical testing. Allele origin: germline.
Comment: This sequence change replaces isoleucine, which is neutral and non-polar, with valine, which is neutral and non-polar, at codon 56 of the SMARCA4 protein (p.Ile56Val). This variant is not present in population databases (gnomAD no frequency). This variant has not been reported in the literature in individuals affected with SMARCA4-related conditions. ClinVar contains an entry for this variant (Variation ID: 1047702). Invitae Evidence Modeling of protein sequence and biophysical properties (such as structural, functional, and spatial information, amino acid conservation, physicochemical variation, residue mobility, and thermodynamic stability) indicates that this missense variant is not expected to disrupt SMARCA4 protein function with a negative predictive value of 80%. In summary, the available evidence is currently insufficient to determine the role of this variant in disease. Therefore, it has been classified as a Variant of Uncertain Significance.

NM_003072.5(SMARCA4):c.166A>G (p.Ile56Val)

Gene: SMARCA4 (SWI/SNF related BAF chromatin remodeling complex subunit ATPase 4; plus strand). Cytogenetic location: 19p13.2.
Variant type: single nucleotide variant.
Coding change: c.166A>G on transcript NM_003072.5 (MANE Select); coding-DNA position 166, A replaced by G.
Protein change: p.Ile56Val; replaces isoleucine 56 with valine.
Molecular consequence: missense variant. On other transcripts: non-coding transcript variant (1).
Genome position (GRCh38, 1-based): chr19:10,984,317, A>G. VCF-style: chr19-10984317-A-G. GRCh37 (hg19) VCF-style: chr19-11094993-A-G.
Other names: c.166A>G, p.Ile56Val (NM_001128844.3, NM_001128845.2, NM_001128846.2 and 5 more transcripts); short protein forms I56V.
Identifiers: ClinVar variation 1047702 (VCV001047702.7), dbSNP rs2085819103, ClinGen allele CA404054525.
Genomic context (GRCh38, chr19:10,984,317, plus strand): 5'-CCGGGCTCCGCCCACAGCATGATGGGGCCCAGCCCAGGGCCGCCCTCAGCAGGACACCCC[A>G]TCCCCACCCAGGGGCCTGGAGGGTACCCTCAGGACAACATGCACCAGATGCACAAGGTAG-3'
Protein context (NP_003063.2, residues 46-66): SPGPPSAGHP[Ile56Val]PTQGPGGYPQ